The following is an entry in ClinVar:

NM_012062.5(DNM1L):c.76C>A (p.Pro26Thr)

Gene: DNM1L (dynamin 1 like; plus strand). Cytogenetic location: 12p11.21.
Variant type: single nucleotide variant.
Coding change: c.76C>A on transcript NM_012062.5 (MANE Select); coding-DNA position 76, C replaced by A.
Protein change: p.Pro26Thr; replaces proline 26 with threonine.
Molecular consequence: missense variant. On other transcripts: 5 prime UTR variant (1).
Genome position (GRCh38, 1-based): chr12:32,679,439, C>A. VCF-style: chr12-32679439-C-A. GRCh37 (hg19) VCF-style: chr12-32832373-C-A.
Other names: c.76C>A, p.Pro26Thr (NM_001278463.2, NM_001278464.2, NM_001278465.2 and 3 more transcripts); c.-130C>A (NM_001278466.2); short protein forms P26T.
Identifiers: ClinVar variation 1997049 (VCV001997049.4), dbSNP rs2540921552, ClinGen allele CA384359669.

ClinVar aggregate classification (germline): Uncertain significance (1 of 4 stars; one submission).

Submission:

Labcorp Genetics (formerly Invitae), Labcorp
Classification: Uncertain significance. Last evaluated: 2022-05-31. Review status: criteria provided, single submitter. Criteria: Invitae Variant Classification Sherloc (09022015). Collection method: clinical testing. Allele origin: germline.
Comment: This sequence change replaces proline, which is neutral and non-polar, with threonine, which is neutral and polar, at codon 26 of the DNM1L protein (p.Pro26Thr). This variant is not present in population databases (gnomAD no frequency). This variant has not been reported in the literature in individuals affected with DNM1L-related conditions. Algorithms developed to predict the effect of missense changes on protein structure and function (SIFT, PolyPhen-2, Align-GVGD) all suggest that this variant is likely to be disruptive. In summary, the available evidence is currently insufficient to determine the role of this variant in disease. Therefore, it has been classified as a Variant of Uncertain Significance.